The following is an entry in ClinVar:

ClinVar aggregate classification (germline): Uncertain significance (1 of 4 stars; one submission).

Submission:

Labcorp Genetics (formerly Invitae), Labcorp
Classification: Uncertain significance. Last evaluated: 2023-12-18. Review status: criteria provided, single submitter. Criteria: Invitae Variant Classification Sherloc (09022015). Collection method: clinical testing. Allele origin: germline.
Comment: This variant results in a copy number gain of the genomic region encompassing exon(s) 2-8 of the TBC1D20 gene. This region includes the termination codon of the gene. This copy number gain extends beyond the assayed region for this gene and therefore may encompass additional genes. As the precise location of this event is unknown, it may be in tandem or it may be located elsewhere in the genome. This variant has not been reported in the literature in individuals affected with TBC1D20-related conditions. Experimental studies and prediction algorithms are not available or were not evaluated, and the functional significance of this variant is currently unknown. In summary, the available evidence is currently insufficient to determine the role of this variant in disease. Therefore, it has been classified as a Variant of Uncertain Significance.

NC_000020.10:g.(?_419230)_(428738_?)dup

Gene: TBC1D20 (TBC1 domain family member 20; minus strand). Cytogenetic location: 20p13.
Variant type: Duplication.
Identifiers: ClinVar variation 1412733 (VCV001412733.5).